The following is an entry in ClinVar:

ClinVar aggregate classification (germline): Uncertain significance (1 of 4 stars; one submission).

Conditions:
Glycogen storage disease IXd (GSD9D). Also called: Muscle Phosphorylase Kinase Deficiency; GSD IXd. Identifiers: Orphanet 715, MedGen C1845151, MONDO:0010362, OMIM 300559.

Allele frequency attached by ClinVar (database versions not stated): gnomAD exomes 0.00001 and 0.00003; ExAC 0.00002; gnomAD 0.00002; TOPMed 0.00002; ESP Exome Variant Server 0.00009.
gnomAD v4.1: 33 of 1,205,840 alleles (0.0027%); highest among the groups gnomAD compares: Non-Finnish European, 0.0034%; no homozygotes.

Submission:

Labcorp Genetics (formerly Invitae), Labcorp
Classification: Uncertain significance for Glycogen storage disease IXd. Last evaluated: 2018-09-19. Review status: criteria provided, single submitter. Criteria: Invitae Variant Classification Sherloc (09022015). Collection method: clinical testing. Allele origin: germline.
Comment: This sequence change replaces serine with tyrosine at codon 1086 of the PHKA1 protein (p.Ser1086Tyr). The serine residue is moderately conserved and there is a large physicochemical difference between serine and tyrosine. This variant is present in population databases (rs375128462, ExAC 0.004%). This variant has not been reported in the literature in individuals with PHKA1-related disease. Algorithms developed to predict the effect of missense changes on protein structure and function are either unavailable or do not agree on the potential impact of this missense change (SIFT: "Deleterious"; PolyPhen-2: "Probably Damaging"; Align-GVGD: "Class C0"). In summary, the available evidence is currently insufficient to determine the role of this variant in disease. Therefore, it has been classified as a Variant of Uncertain Significance.

NM_002637.4(PHKA1):c.3257C>A (p.Ser1086Tyr)

Gene: PHKA1 (phosphorylase kinase regulatory subunit alpha 1; minus strand). Cytogenetic location: Xq13.1.
Variant type: single nucleotide variant.
Coding change: c.3257C>A on transcript NM_002637.4 (MANE Select); coding-DNA position 3257, C replaced by A.
Protein change: p.Ser1086Tyr; replaces serine 1086 with tyrosine.
Molecular consequence: missense variant.
Genome position (GRCh38, 1-based): chrX:72,584,289, G>T on the plus strand (C>A on the coding strand, the complement: PHKA1 is on the minus strand). VCF-style: chrX-72584289-G-T. GRCh37 (hg19) VCF-style: chrX-71804139-G-T.
Other names: c.3218C>A, p.Ser1073Tyr (NM_001122670.2); c.3041C>A, p.Ser1014Tyr (NM_001172436.2); short protein forms S1014Y, S1073Y, S1086Y.
Identifiers: ClinVar variation 658545 (VCV000658545.9), dbSNP rs375128462, ClinGen allele CA10450495.